The following is an entry in ClinVar:

ClinVar aggregate classification (germline): Uncertain significance (1 of 4 stars; one submission).

Conditions:
Inborn genetic diseases. Identifiers: MedGen C0950123, MeSH D030342.

Submission:

Ambry Genetics
Classification: Uncertain significance for Inborn genetic diseases. Last evaluated: 2025-01-25. Review status: criteria provided, single submitter. Criteria: Ambry Variant Classification Scheme 2023. Collection method: clinical testing. Allele origin: germline.
Comment: The p.I1254V variant (also known as c.3760A>G), located in coding exon 1 of the SAMD9 gene, results from an A to G substitution at nucleotide position 3760. The isoleucine at codon 1254 is replaced by valine, an amino acid with highly similar properties. This amino acid position is conserved. In addition, this alteration is predicted to be tolerated by in silico analysis. Based on the available evidence, the clinical significance of this variant remains unclear.

NM_017654.4(SAMD9):c.3760A>G (p.Ile1254Val)

Gene: SAMD9 (sterile alpha motif domain containing 9; minus strand). Cytogenetic location: 7q21.2.
Variant type: single nucleotide variant.
Coding change: c.3760A>G on transcript NM_017654.4 (MANE Select); coding-DNA position 3760, A replaced by G.
Protein change: p.Ile1254Val; replaces isoleucine 1254 with valine.
Molecular consequence: missense variant.
Genome position (GRCh38, 1-based): chr7:93,102,338, T>C on the plus strand (A>G on the coding strand, the complement: SAMD9 is on the minus strand). VCF-style: chr7-93102338-T-C. GRCh37 (hg19) VCF-style: chr7-92731651-T-C.
Other names: c.3760A>G, p.Ile1254Val (NM_001193307.2); short protein forms I1254V.
Identifiers: ClinVar variation 3437119 (VCV003437119.2).